The following is an entry in ClinVar:

NM_006017.3(PROM1):c.2250del (p.Phe750fs)

Gene: PROM1 (prominin 1; minus strand). Cytogenetic location: 4p15.32.
Variant type: Deletion.
Coding change: c.2250del on transcript NM_006017.3 (MANE Select); coding-DNA position 2250, one base deleted (T; older notation c.2250delT).
Protein change: p.Phe750fs; shifts the reading frame from phenylalanine 750.
Molecular consequence: frameshift variant.
Genome position (GRCh38, 1-based): chr4:15,985,790, A deleted on the plus strand (T on the coding strand, the reverse complement: PROM1 is on the minus strand); the first of 4 consecutive A bases (chr4:15,985,790-15,985,793); deleting any one gives the same sequence. VCF-style (leftmost placement, unchanged base first): chr4-15985789-CA-C. GRCh37 (hg19) VCF-style: chr4-15987412-CA-C.
Other names: c.2223del, p.Phe741fs (NM_001145847.2, NM_001145848.2, NM_001145851.2 and 4 more transcripts); c.2250del, p.Phe750fs (NM_001145849.2, NM_001145850.2); short protein forms F750fs, F741fs.
Identifiers: ClinVar variation 1994492 (VCV001994492.4), dbSNP rs1719216479, ClinGen allele CA1440893694.
Genomic context (GRCh38, chr4:15,985,789, plus strand): 5'-CCTTAACATTCATAAAAGATAAACTACTTACAGAGAACTCGATCCACTGCAGATAATGTT[CA>C]AAATATCCTATTATTGTTCTCCCATACTTCTTAGTTTCCTGGAAAGAAACAAAAGATGAG-3'

ClinVar aggregate classification (germline): Pathogenic (1 of 4 stars; one submission).

Submission:

Labcorp Genetics (formerly Invitae), Labcorp
Classification: Pathogenic. Last evaluated: 2022-09-02. Review status: criteria provided, single submitter. Criteria: Invitae Variant Classification Sherloc (09022015). Collection method: clinical testing. Allele origin: germline.
Comment: For these reasons, this variant has been classified as Pathogenic. This variant has not been reported in the literature in individuals affected with PROM1-related conditions. This variant is not present in population databases (gnomAD no frequency). This sequence change creates a premature translational stop signal (p.Phe750Leufs*26) in the PROM1 gene. It is expected to result in an absent or disrupted protein product. Loss-of-function variants in PROM1 are known to be pathogenic (PMID: 17605048, 19718270, 24154662, 25474345).

Literature cited by the submitters: PubMed 17605048; PubMed 19718270; PubMed 24154662; PubMed 25474345.